The following is an entry in ClinVar:

NM_022489.4(INF2):c.2585A>G (p.Gln862Arg)

Gene: INF2 (inverted formin 2; plus strand). Cytogenetic location: 14q32.33.
Variant type: single nucleotide variant.
Coding change: c.2585A>G on transcript NM_022489.4 (MANE Select); coding-DNA position 2585, A replaced by G.
Protein change: p.Gln862Arg; replaces glutamine 862 with arginine.
Molecular consequence: missense variant.
Genome position (GRCh38, 1-based): chr14:104,712,528, A>G. VCF-style: chr14-104712528-A-G. GRCh37 (hg19) VCF-style: chr14-105178865-A-G.
Other names: c.2585A>G, p.Gln862Arg (NM_001031714.4); short protein forms Q862R.
Identifiers: ClinVar variation 1040990 (VCV001040990.8), dbSNP rs1471229828, ClinGen allele CA391221935.

ClinVar aggregate classification (germline): Uncertain significance (1 of 4 stars; one submission).

Conditions:
Focal segmental glomerulosclerosis 5 (FSGS5). Identifiers: Orphanet 656, MedGen C2750475, MONDO:0013191, OMIM 613237.
Charcot-Marie-Tooth disease dominant intermediate E. Also called: CHARCOT-MARIE-TOOTH NEUROPATHY WITH FOCAL SEGMENTAL GLOMERULONEPHRITIS. Identifiers: Orphanet 93114, MedGen C4302667, MONDO:0013758, OMIM 614455.

Allele frequency attached by ClinVar (database versions not stated): gnomAD 0.00001; gnomAD exomes 0.00001; TOPMed 0.00001.
gnomAD v4.1: 10 of 1,612,588 alleles (0.00062%); highest among the groups gnomAD compares: Non-Finnish European, 0.00085%; no homozygotes.

Submission:

Labcorp Genetics (formerly Invitae), Labcorp
Classification: Uncertain significance for Charcot-Marie-Tooth disease dominant intermediate E; Focal segmental glomerulosclerosis 5. Last evaluated: 2024-12-08. Review status: criteria provided, single submitter. Criteria: Invitae Variant Classification Sherloc (09022015). Collection method: clinical testing. Allele origin: germline.
Comment: This sequence change replaces glutamine, which is neutral and polar, with arginine, which is basic and polar, at codon 862 of the INF2 protein (p.Gln862Arg). This variant is not present in population databases (gnomAD no frequency). This variant has not been reported in the literature in individuals affected with INF2-related conditions. ClinVar contains an entry for this variant (Variation ID: 1040990). Invitae Evidence Modeling of protein sequence and biophysical properties (such as structural, functional, and spatial information, amino acid conservation, physicochemical variation, residue mobility, and thermodynamic stability) indicates that this missense variant is not expected to disrupt INF2 protein function with a negative predictive value of 95%. In summary, the available evidence is currently insufficient to determine the role of this variant in disease. Therefore, it has been classified as a Variant of Uncertain Significance.